The following is an entry in ClinVar:

ClinVar aggregate classification (germline): Uncertain significance. Review status: criteria provided, multiple submitters, no conflicts (2 of 4 stars). 2 submissions from 2 submitters: Uncertain significance (2). Last evaluated 2025-04-04.

Conditions:
Beckwith-Wiedemann syndrome (BWS). Also called: EMG SYNDROME; Exomphalos macroglossia gigantism syndrome. Identifiers: Orphanet 116, MedGen C0004903, MONDO:0007534, OMIM 130650.

Submissions (2):

Dasa
Classification: Uncertain significance. Last evaluated: 2025-04-04. Review status: criteria provided, single submitter. Criteria: DASA Assertion Criteria. Collection method: clinical testing. Allele origin: germline.
Comment: NM_001122630.2(CDKN1C):c.10C>G (p.Leu4Val) is a missense variant that results in the substitution of leucine with valine. This variant is absent from population databases. Computational prediction algorithms are consistent with a benign effect. The currently available literature and clinical evidence are not sufficient to establish a definitive association between this variant and the reported condition. Therefore, this variant is classified as a variant of uncertain significance.

Labcorp Genetics (formerly Invitae), Labcorp
Classification: Uncertain significance for Beckwith-Wiedemann syndrome. Last evaluated: 2023-10-05. Review status: criteria provided, single submitter. Criteria: Invitae Variant Classification Sherloc (09022015). Collection method: clinical testing. Allele origin: germline.
Comment: This sequence change replaces leucine, which is neutral and non-polar, with valine, which is neutral and non-polar, at codon 15 of the CDKN1C protein (p.Leu15Val). This variant is not present in population databases (gnomAD no frequency). This variant has not been reported in the literature in individuals affected with CDKN1C-related conditions. ClinVar contains an entry for this variant (Variation ID: 1504976). Advanced modeling of protein sequence and biophysical properties (such as structural, functional, and spatial information, amino acid conservation, physicochemical variation, residue mobility, and thermodynamic stability) has been performed at Invitae for this missense variant, however the output from this modeling did not meet the statistical confidence thresholds required to predict the impact of this variant on CDKN1C protein function. In summary, the available evidence is currently insufficient to determine the role of this variant in disease. Therefore, it has been classified as a Variant of Uncertain Significance.

NM_001122630.2(CDKN1C):c.10C>G (p.Leu4Val)

Gene: CDKN1C (cyclin dependent kinase inhibitor 1C; minus strand). Cytogenetic location: 11p15.4.
Variant type: single nucleotide variant.
Coding change: c.10C>G on transcript NM_001122630.2 (MANE Select); coding-DNA position 10, C replaced by G.
Protein change: p.Leu4Val; replaces leucine 4 with valine.
Molecular consequence: missense variant.
Genome position (GRCh38, 1-based): chr11:2,885,447, G>C on the plus strand (C>G on the coding strand, the complement: CDKN1C is on the minus strand). VCF-style: chr11-2885447-G-C. GRCh37 (hg19) VCF-style: chr11-2906677-G-C.
Other names: c.43C>G, p.Leu15Val (NM_000076.2, NM_001362474.2); c.10C>G, p.Leu4Val (NM_001122631.2, NM_001362475.2); short protein forms L15V, L4V.
Identifiers: ClinVar variation 1504976 (VCV001504976.10), dbSNP rs2133786635, ClinGen allele CA379147958.